The following is an entry in ClinVar:

NM_001077653.2(TBX20):c.127+2_127+10del

Gene: TBX20 (T-box transcription factor 20; minus strand). Cytogenetic location: 7p14.2.
Variant type: Deletion.
Coding change: c.127+2_127+10del on transcript NM_001077653.2 (MANE Select); the canonical splice donor site of the intron after coding-DNA position 127 through 10 bases into the intron after coding-DNA position 127, 9 bases deleted (TAAGTTGGG; older notation c.127+2_127+10delTAAGTTGGG).
Molecular consequence: splice donor variant.
Genome position (GRCh38, 1-based): chr7:35,253,484-35,253,492, CCCAACTTA deleted on the plus strand (TAAGTTGGG on the coding strand, the reverse complement: TBX20 is on the minus strand); deleting any 9 consecutive bases within chr7:35,253,484-35,253,496 gives the same sequence; the c. name uses the placement nearest the transcript's 3' end. VCF-style (leftmost placement, unchanged base first): chr7-35253483-GCCCAACTTA-G. GRCh37 (hg19) VCF-style: chr7-35293094-GCCCAACTTA-G.
Other names: c.127+2_127+10del (NM_001166220.1).
Identifiers: ClinVar variation 4688018 (VCV004688018.1).

ClinVar aggregate classification (germline): Likely pathogenic (1 of 4 stars; one submission).

Conditions:
Atrial septal defect 4 (ASD4). Identifiers: Orphanet 1478, MedGen C1969657, MONDO:0012654, OMIM 611363.

Submission:

Human Genetics Bochum, Ruhr University Bochum
Classification: Likely pathogenic for Atrial septal defect 4. Last evaluated: 2025-01-14. Review status: criteria provided, single submitter. Criteria: ACMG Guidelines, 2015. Collection method: clinical testing. Allele origin: germline. Affected: yes.
Comment: ACMG criteria used to clasify this variant: PVS1, PM2_SUP